The following is an entry in ClinVar:

NM_001365999.1(SZT2):c.6713C>T (p.Ala2238Val)

Gene: SZT2 (SZT2 subunit of KICSTOR complex; plus strand). Cytogenetic location: 1p34.2.
Variant type: single nucleotide variant.
Coding change: c.6713C>T on transcript NM_001365999.1 (MANE Select); coding-DNA position 6713, C replaced by T.
Protein change: p.Ala2238Val; replaces alanine 2238 with valine.
Molecular consequence: missense variant.
Genome position (GRCh38, 1-based): chr1:43,439,014, C>T. VCF-style: chr1-43439014-C-T. GRCh37 (hg19) VCF-style: chr1-43904685-C-T.
Other names: c.6542C>T, p.Ala2181Val (NM_015284.4); short protein forms A2181V, A2238V.
Identifiers: ClinVar variation 3366269 (VCV003366269.1).

ClinVar aggregate classification (germline): Uncertain significance (1 of 4 stars; one submission).

gnomAD v4.1: 1 of 1,614,226 alleles (0.000062%); highest among the groups gnomAD compares: Admixed American, 0.0017%; no homozygotes.

Submission:

GeneDx
Classification: Uncertain significance. Last evaluated: 2023-10-24. Review status: criteria provided, single submitter. Criteria: GeneDx Variant Classification Process June 2021. Collection method: clinical testing. Allele origin: germline. Affected: yes.
Comment: Not observed at significant frequency in large population cohorts (gnomAD); In silico analysis suggests this variant may impact gene splicing. In the absence of RNA/functional studies, the actual effect of this sequence change is unknown.; In silico analysis supports that this missense variant does not alter protein structure/function; Has not been previously published as pathogenic or benign to our knowledge